The following is an entry in ClinVar:

ClinVar aggregate classification (germline): Uncertain significance (1 of 4 stars; one submission).

gnomAD v4.1: 21 of 1,614,076 alleles (0.0013%); highest among the groups gnomAD compares: African/African-American, 0.0067%; no homozygotes.

Submission:

Labcorp Genetics (formerly Invitae), Labcorp
Classification: Uncertain significance. Last evaluated: 2022-11-19. Review status: criteria provided, single submitter. Criteria: Invitae Variant Classification Sherloc (09022015). Collection method: clinical testing. Allele origin: germline.
Comment: This sequence change replaces histidine, which is basic and polar, with glutamine, which is neutral and polar, at codon 146 of the MRPS23 protein (p.His146Gln). This variant is present in population databases (no rsID available, gnomAD 0.01%). In summary, the available evidence is currently insufficient to determine the role of this variant in disease. Therefore, it has been classified as a Variant of Uncertain Significance. Algorithms developed to predict the effect of missense changes on protein structure and function output the following: SIFT: "Tolerated"; PolyPhen-2: "Benign"; Align-GVGD: "Class C0". The glutamine amino acid residue is found in multiple mammalian species, which suggests that this missense change does not adversely affect protein function. ClinVar contains an entry for this variant (Variation ID: 1501180). This variant has not been reported in the literature in individuals affected with MRPS23-related conditions.

NM_016070.4(MRPS23):c.438C>G (p.His146Gln)

Gene: MRPS23 (mitochondrial ribosomal protein S23; minus strand). Cytogenetic location: 17q22.
Variant type: single nucleotide variant.
Coding change: c.438C>G on transcript NM_016070.4 (MANE Select); coding-DNA position 438, C replaced by G.
Protein change: p.His146Gln; replaces histidine 146 with glutamine.
Molecular consequence: missense variant.
Genome position (GRCh38, 1-based): chr17:57,839,918, G>C on the plus strand (C>G on the coding strand, the complement: MRPS23 is on the minus strand). VCF-style: chr17-57839918-G-C. GRCh37 (hg19) VCF-style: chr17-55917279-G-C.
Other names: short protein forms H146Q.
Identifiers: ClinVar variation 1501180 (VCV001501180.8), dbSNP rs567278145, ClinGen allele CA291926134.